The following is an entry in ClinVar:

NM_003803.4(MYOM1):c.1405T>C (p.Phe469Leu)

Gene: MYOM1 (myomesin 1; minus strand). Cytogenetic location: 18p11.31.
Variant type: single nucleotide variant.
Coding change: c.1405T>C on transcript NM_003803.4 (MANE Select); coding-DNA position 1405, T replaced by C.
Protein change: p.Phe469Leu; replaces phenylalanine 469 with leucine.
Molecular consequence: missense variant.
Genome position (GRCh38, 1-based): chr18:3,164,374, A>G on the plus strand (T>C on the coding strand, the complement: MYOM1 is on the minus strand). VCF-style: chr18-3164374-A-G. GRCh37 (hg19) VCF-style: chr18-3164372-A-G.
Other names: c.1405T>C, p.Phe469Leu (NM_019856.2); short protein forms F469L.
Identifiers: ClinVar variation 3008624 (VCV003008624.3), dbSNP rs2510685729, ClinGen allele CA401714953.

ClinVar aggregate classification (germline): Uncertain significance (1 of 4 stars; one submission).

Conditions:
Hypertrophic cardiomyopathy. Also called: HYPERTROPHIC MYOCARDIOPATHY. Identifiers: Orphanet 217569, MedGen C0007194, MeSH D002312, MONDO:0005045, HP:0001639.

Allele frequency attached by ClinVar (database versions not stated): gnomAD exomes below 0.00001.
gnomAD v4.1: 1 of 1,612,092 alleles (0.000062%); highest among the groups gnomAD compares: Non-Finnish European, 0.000085%; no homozygotes.

Submission:

Labcorp Genetics (formerly Invitae), Labcorp
Classification: Uncertain significance for Hypertrophic cardiomyopathy. Last evaluated: 2024-01-18. Review status: criteria provided, single submitter. Criteria: Invitae Variant Classification Sherloc (09022015). Collection method: clinical testing. Allele origin: germline.
Comment: This sequence change replaces phenylalanine, which is neutral and non-polar, with leucine, which is neutral and non-polar, at codon 469 of the MYOM1 protein (p.Phe469Leu). This variant is not present in population databases (gnomAD no frequency). This variant has not been reported in the literature in individuals affected with MYOM1-related conditions. Advanced modeling of protein sequence and biophysical properties (such as structural, functional, and spatial information, amino acid conservation, physicochemical variation, residue mobility, and thermodynamic stability) performed at Invitae indicates that this missense variant is not expected to disrupt MYOM1 protein function with a negative predictive value of 80%. In summary, the available evidence is currently insufficient to determine the role of this variant in disease. Therefore, it has been classified as a Variant of Uncertain Significance.